The following is an entry in ClinVar:

NM_020822.3(KCNT1):c.3307C>A (p.Pro1103Thr)

Gene: KCNT1 (potassium sodium-activated channel subfamily T member 1; plus strand). Cytogenetic location: 9q34.3.
Variant type: single nucleotide variant.
Coding change: c.3307C>A on transcript NM_020822.3 (MANE Select); coding-DNA position 3307, C replaced by A.
Protein change: p.Pro1103Thr; replaces proline 1103 with threonine.
Molecular consequence: missense variant.
Genome position (GRCh38, 1-based): chr9:135,786,326, C>A. VCF-style: chr9-135786326-C-A. GRCh37 (hg19) VCF-style: chr9-138678172-C-A.
Other names: c.3307C>A (NM_020822.2); c.3172C>A, p.Pro1058Thr (NM_001272003.2); short protein forms P1058T, P1103T.
Identifiers: ClinVar variation 1021783 (VCV001021783.14), dbSNP rs1347095932, ClinGen allele CA375491695.

ClinVar aggregate classification (germline): Uncertain significance. Review status: criteria provided, multiple submitters, no conflicts (2 of 4 stars). 2 submissions from 2 submitters: Uncertain significance (2). Last evaluated 2022-11-17.

Conditions:
Autosomal dominant nocturnal frontal lobe epilepsy 5. Also called: KCNT1-Related Epilepsy; CILIARY DYSKINESIA, PRIMARY, 28, WITHOUT SITUS INVERSUS; CILIARY DYSKINESIA, PRIMARY, 28, WITH SITUS INVERSUS; Epilepsy, nocturnal frontal lobe, 5. Identifiers: Orphanet 98784, MedGen C3554306, MONDO:0014002, OMIM 615005.
Developmental and epileptic encephalopathy, 14 (DEE14). Also called: Early infantile epileptic encephalopathy 14. Identifiers: Orphanet 293181, MedGen C3554195, MONDO:0013989, OMIM 614959.
Inborn genetic diseases. Identifiers: MedGen C0950123, MeSH D030342.

Allele frequency attached by ClinVar (database versions not stated): gnomAD exomes below 0.00001.
gnomAD v4.1: 1 of 1,598,302 alleles (0.000063%); highest among the groups gnomAD compares: Non-Finnish European, 0.000085%; no homozygotes.

Submissions (2):

Ambry Genetics
Classification: Uncertain significance for Inborn genetic diseases. Last evaluated: 2022-11-17. Review status: criteria provided, single submitter. Criteria: Ambry Variant Classification Scheme 2023. Collection method: clinical testing. Allele origin: germline.

Labcorp Genetics (formerly Invitae), Labcorp
Classification: Uncertain significance for Autosomal dominant nocturnal frontal lobe epilepsy 5; Developmental and epileptic encephalopathy, 14. Last evaluated: 2022-07-22. Review status: criteria provided, single submitter. Criteria: Invitae Variant Classification Sherloc (09022015). Collection method: clinical testing. Allele origin: germline.
Comment: In summary, the available evidence is currently insufficient to determine the role of this variant in disease. Therefore, it has been classified as a Variant of Uncertain Significance. Algorithms developed to predict the effect of missense changes on protein structure and function (SIFT, PolyPhen-2, Align-GVGD) all suggest that this variant is likely to be tolerated. ClinVar contains an entry for this variant (Variation ID: 1021783). This variant has not been reported in the literature in individuals affected with KCNT1-related conditions. The frequency data for this variant in the population databases is considered unreliable, as metrics indicate poor data quality at this position in the gnomAD database. This sequence change replaces proline, which is neutral and non-polar, with threonine, which is neutral and polar, at codon 1103 of the KCNT1 protein (p.Pro1103Thr).